The following is an entry in ClinVar:

ClinVar aggregate classification (germline): Uncertain significance (1 of 4 stars; one submission).

Conditions:
TBK1-related disorder. Also called: TBK1-related condition.

Allele frequency attached by ClinVar (database versions not stated): gnomAD exomes 0.00001.
gnomAD v4.1: 15 of 1,614,030 alleles (0.00093%); highest among the groups gnomAD compares: Non-Finnish European, 0.0011%; no homozygotes.

Submission:

PreventionGenetics, part of Exact Sciences
Classification: Uncertain significance for TBK1-related condition. Last evaluated: 2022-11-21. Review status: criteria provided, single submitter. Criteria: ACMG Guidelines, 2015. Collection method: clinical testing. Allele origin: germline.
Comment: The TBK1 c.1549A>G variant is predicted to result in the amino acid substitution p.Thr517Ala. To our knowledge, this variant has not been reported in the literature or in a large population database, indicating this variant is rare. At this time, the clinical significance of this variant is uncertain due to the absence of conclusive functional and genetic evidence.

NM_013254.4(TBK1):c.1549A>G (p.Thr517Ala)

Gene: TBK1 (TANK binding kinase 1; plus strand). Cytogenetic location: 12q14.2.
Variant type: single nucleotide variant.
Coding change: c.1549A>G on transcript NM_013254.4 (MANE Select); coding-DNA position 1549, A replaced by G.
Protein change: p.Thr517Ala; replaces threonine 517 with alanine.
Molecular consequence: missense variant.
Genome position (GRCh38, 1-based): chr12:64,495,510, A>G. VCF-style: chr12-64495510-A-G. GRCh37 (hg19) VCF-style: chr12-64889290-A-G.
Other names: short protein forms T517A.
Identifiers: ClinVar variation 2634973 (VCV002634973.1), dbSNP rs2539534401, ClinGen allele CA385604077.